The following is an entry in ClinVar:

NM_007194.4(CHEK2):c.369T>G (p.Tyr123Ter)

Gene: CHEK2 (checkpoint kinase 2; minus strand). Cytogenetic location: 22q12.1.
Variant type: single nucleotide variant.
Coding change: c.369T>G on transcript NM_007194.4 (MANE Select); coding-DNA position 369, T replaced by G.
Protein change: p.Tyr123Ter; replaces tyrosine 123 with a stop codon.
Molecular consequence: nonsense.
Genome position (GRCh38, 1-based): chr22:28,725,318, A>C on the plus strand (T>G on the coding strand, the complement: CHEK2 is on the minus strand). VCF-style: chr22-28725318-A-C. GRCh37 (hg19) VCF-style: chr22-29121306-A-C.
Other names: c.498T>G, p.Tyr166Ter (NM_001005735.3); c.-409T>G (NM_001257387.3); c.369T>G, p.Tyr123Ter (NM_001349956.3, NM_145862.3); short protein forms Y123*, Y166*.
Identifiers: ClinVar variation 3646519 (VCV003646519.2), dbSNP rs2146070088.

ClinVar aggregate classification (germline): Pathogenic (1 of 4 stars; one submission).

Conditions:
Familial cancer of breast. Also called: hereditary breast carcinoma; BREAST CANCER, FAMILIAL; Hereditary breast cancer. Identifiers: Orphanet 227535, MedGen C0346153, MONDO:0016419, OMIM 114480. Disease mechanism: loss of function.

Submission:

Labcorp Genetics (formerly Invitae), Labcorp
Classification: Pathogenic for Familial cancer of breast. Last evaluated: 2024-03-17. Review status: criteria provided, single submitter. Criteria: Invitae Variant Classification Sherloc (09022015). Collection method: clinical testing. Allele origin: germline.
Comment: This sequence change creates a premature translational stop signal (p.Tyr123*) in the CHEK2 gene. It is expected to result in an absent or disrupted protein product. Loss-of-function variants in CHEK2 are known to be pathogenic (PMID: 21876083, 24713400). This variant is not present in population databases (gnomAD no frequency). This variant has not been reported in the literature in individuals affected with CHEK2-related conditions. For these reasons, this variant has been classified as Pathogenic.

Literature cited by the submitters: PubMed 21876083; PubMed 24713400.